The following is an entry in ClinVar:

ClinVar aggregate classification (germline): Uncertain significance (1 of 4 stars; one submission).

Conditions:
Leber congenital amaurosis 13 (LCA13). Identifiers: MedGen C2675186, MONDO:0012990, OMIM 612712.

Allele frequency attached by ClinVar (database versions not stated): gnomAD exomes below 0.00001.
gnomAD v4.1: 1 of 1,610,330 alleles (0.000062%); no homozygotes.

Submission:

Labcorp Genetics (formerly Invitae), Labcorp
Classification: Uncertain significance for Leber congenital amaurosis 13. Last evaluated: 2024-10-08. Review status: criteria provided, single submitter. Criteria: Invitae Variant Classification Sherloc (09022015). Collection method: clinical testing. Allele origin: germline.
Comment: This sequence change replaces valine, which is neutral and non-polar, with leucine, which is neutral and non-polar, at codon 238 of the RDH12 protein (p.Val238Leu). This variant is present in population databases (no rsID available, gnomAD 0.01%). This variant has not been reported in the literature in individuals affected with RDH12-related conditions. ClinVar contains an entry for this variant (Variation ID: 1006436). Invitae Evidence Modeling of protein sequence and biophysical properties (such as structural, functional, and spatial information, amino acid conservation, physicochemical variation, residue mobility, and thermodynamic stability) indicates that this missense variant is not expected to disrupt RDH12 protein function with a negative predictive value of 80%. In summary, the available evidence is currently insufficient to determine the role of this variant in disease. Therefore, it has been classified as a Variant of Uncertain Significance.

NM_152443.3(RDH12):c.712G>C (p.Val238Leu)

Genes: RDH12 (retinol dehydrogenase 12; plus strand), GPHN (gephyrin; plus strand), ZFYVE26 (zinc finger FYVE-type containing 26; minus strand). Cytogenetic location: 14q24.1.
Variant type: single nucleotide variant.
Coding change: c.712G>C on transcript NM_152443.3 (MANE Select); coding-DNA position 712, G replaced by C.
Protein change: p.Val238Leu; replaces valine 238 with leucine.
Molecular consequence: missense variant.
Genome position (GRCh38, 1-based): chr14:67,729,244, G>C. VCF-style: chr14-67729244-G-C. GRCh37 (hg19) VCF-style: chr14-68195961-G-C.
Other names: short protein forms V238L.
Identifiers: ClinVar variation 1006436 (VCV001006436.8), dbSNP rs1316624378, ClinGen allele CA390152956.